The following is an entry in ClinVar:

ClinVar aggregate classification (germline): Likely benign (1 of 4 stars; one submission).

Allele frequency attached by ClinVar (database versions not stated): TOPMed 0.00015; gnomAD 0.00018; ESP Exome Variant Server 0.00025; ExAC 0.00031; 1000 Genomes Project 0.00080; 1000 Genomes Project 30x 0.00094.
gnomAD v4.1: 232 of 1,614,048 alleles (0.014%); highest among the groups gnomAD compares: South Asian, 0.15%; 3 homozygotes.

Submission:

CeGaT Center for Human Genetics Tuebingen
Classification: Likely benign. Last evaluated: 2022-06-01. Review status: criteria provided, single submitter. Criteria: CeGaT Center For Human Genetics Tuebingen Variant Classification Criteria Version 2. Collection method: clinical testing. Allele origin: germline. Affected: yes. Observed: 1 variant allele.
Comment: FRY: BP4, BP7

NM_023037.3(FRY):c.7260G>A (p.Ser2420=)

Genes: FRY (FRY microtubule binding protein; plus strand), LOC126861731 (CDK7 strongly-dependent group 2 enhancer GRCh37_chr13:32827763-32828962; plus strand). Cytogenetic location: 13q13.1.
Variant type: single nucleotide variant.
Coding change: c.7260G>A on transcript NM_023037.3 (MANE Select); coding-DNA position 7260, G replaced by A.
Protein change: p.Ser2420=; no amino-acid change (serine 2420 retained).
Molecular consequence: synonymous variant.
Genome position (GRCh38, 1-based): chr13:32,254,238, G>A. VCF-style: chr13-32254238-G-A. GRCh37 (hg19) VCF-style: chr13-32828375-G-A.
Other names: c.7260G>A, p.Ser2420= (NM_001411012.1).
Identifiers: ClinVar variation 2643729 (VCV002643729.24), dbSNP rs199761069, ClinGen allele CA6939660.
Genomic context (GRCh38, chr13:32,254,238, plus strand): 5'-AACCAAAGGGAGAACGGTTTCTCAGGAGAGGACTCTTGATTCGCAGGTGATTTTTTCATC[G>A]TGTGGGGATCTGGATCTGCTTGAGCACCAGACAAGCTTGGTATCTTCTGAGGACGGTGCC-3'
Protein context (NP_075463.2, residues 2410-2430): LSKNPSVIFS[Ser2420=]CGDLDLLEHQ